The following is an entry in ClinVar:

ClinVar aggregate classification (germline): Conflicting classifications of pathogenicity. Review status: criteria provided, conflicting classifications (1 of 4 stars). 3 submissions from 2 submitters: Likely pathogenic (2); Uncertain significance (1). Last evaluated 2023-01-15.

Conditions:
Ventricular arrhythmias due to cardiac ryanodine receptor calcium release deficiency syndrome. Also called: Autosomal dominant cardiac arrhythmia (Kuhn). Identifiers: MedGen C5542154, MONDO:0020745, OMIM 115000.
Catecholaminergic polymorphic ventricular tachycardia 1. Also called: RYR2-Related Catecholaminergic Polymorphic Ventricular Tachycardia; VENTRICULAR TACHYCARDIA, CATECHOLAMINERGIC POLYMORPHIC, 1, WITH OR WITHOUT ATRIAL DYSFUNCTION AND/OR DILATED CARDIOMYOPATHY; VENTRICULAR TACHYCARDIA, STRESS-INDUCED POLYMORPHIC 1. Identifiers: Orphanet 3286, MedGen C1631597, MONDO:0011484, OMIM 604772.

Submissions (3):

Baylor Genetics
Classification: Likely pathogenic for Catecholaminergic polymorphic ventricular tachycardia 1. Last evaluated: 2023-01-15. Review status: criteria provided, single submitter. Criteria: ACMG Guidelines, 2015. Collection method: clinical testing. Allele origin: unknown.

Baylor Genetics
Classification: Likely pathogenic for Ventricular arrhythmias due to cardiac ryanodine receptor calcium release deficiency syndrome. Last evaluated: 2023-01-15. Review status: criteria provided, single submitter. Criteria: ACMG Guidelines, 2015. Collection method: clinical testing. Allele origin: unknown.

GeneDx
Classification: Uncertain significance. Last evaluated: 2020-03-10. Review status: criteria provided, single submitter. Criteria: GeneDx Variant Classification Process June 2021. Collection method: clinical testing. Allele origin: germline. Affected: yes.
Comment: Has not been previously published as pathogenic or benign to our knowledge; In-frame deletion of one amino acid in a non-repeat region; Not observed in large population cohorts (Lek et al., 2016); In silico analysis supports a deleterious effect on protein structure/function; Located in one of the three hot-spot regions of the RYR2 gene, where the majority of pathogenic missense variants occur (Medeiros-Domingo et al., 2009)

NM_001035.3(RYR2):c.6957_6959del (p.Val2321del)

Gene: RYR2 (ryanodine receptor 2; plus strand). Cytogenetic location: 1q43.
Variant type: Deletion.
Coding change: c.6957_6959del on transcript NM_001035.3 (MANE Select); coding-DNA positions 6957 to 6959, 3 bases deleted (CGT; older notation c.6957_6959delCGT).
Protein change: p.Val2321del; deletes valine 2321.
Molecular consequence: inframe deletion.
Genome position (GRCh38, 1-based): chr1:237,639,043-237,639,045, CGT deleted; deleting any 3 consecutive bases within chr1:237,639,041-237,639,045 gives the same sequence; the c. name uses the placement nearest the transcript's 3' end. VCF-style (leftmost placement, unchanged base first): chr1-237639040-TGTC-T. GRCh37 (hg19) VCF-style: chr1-237802340-TGTC-T.
Other names: c.6957_6959del, p.Val2321del (LRG_402t1); c.6957_6959delCGT (NM_001035.2); short protein forms V2321del.
Identifiers: ClinVar variation 201407 (VCV000201407.4), dbSNP rs794728834, ClinGen allele CA010448.
Genomic context (GRCh38, chr1:237,639,040, plus strand): 5'-ATATTTGTTTACTTATCTTCCCCATTCTACTTTAGGGGAGAGTGTGGAGGAAAATGCAAA[TGTC>T]GTGGTGAGATTGCTCATTCGGAGGCCTGAGTGTTTTGGTCCTGCTTTGAGAGGAGAAGGT-3'